The following is an entry in ClinVar:

ClinVar aggregate classification (germline): Uncertain significance (1 of 4 stars; one submission).

Conditions:
Developmental and epileptic encephalopathy 94 (DEE94). Also called: Epileptic encephalopathy, childhood-onset; CHD2-Related Neurodevelopmental Disorders. Identifiers: Orphanet 1942, Orphanet 2382, MedGen C3809278, MONDO:0014150, OMIM 615369.

Submission:

Victorian Clinical Genetics Services, Murdoch Childrens Research Institute
Classification: Uncertain significance for Developmental and epileptic encephalopathy 94. Last evaluated: 2023-07-17. Review status: criteria provided, single submitter. Criteria: ACMG Guidelines, 2015. Collection method: clinical testing. Allele origin: germline. Inheritance: Autosomal dominant inheritance. Affected: yes.
Comment: Based on the classification scheme VCGS_Germline_v1.3.4, this variant is classified as VUS-3B. Following criteria are met: 0102 - Loss of function is a known mechanism of disease in this gene and is associated with developmental and epileptic encephalopathy 94 (MIM#615369). (I) 0107 - This gene is associated with autosomal dominant disease. (I) 0200 - Variant is predicted to result in a missense amino acid change from glycine to arginine. (I) 0251 - This variant is heterozygous. (I) 0301 - Variant is absent from gnomAD (both v2 and v3). (SP) 0309 - An alternative amino acid change at the same position has been observed in gnomAD (v2) (4 heterozygotes, 0 homozygotes). (I) 0501 - Missense variant consistently predicted to be damaging by multiple in silico tools or highly conserved with a major amino acid change. (SP) 0604 - Variant is not located in an established domain, motif, hotspot or informative constraint region. (I) 0710 - Another missense variant comparable to the one identified in this case has inconclusive previous evidence for pathogenicity. p.(Gly200Glu) has been classified as a VUS by a clinical laboratory in ClinVar. (I) 0807 - This variant has no previous evidence of pathogenicity. (I) 0905 - No published segregation evidence has been identified for this variant. (I) 1007 - No published functional evidence has been identified for this variant. (I) 1208 - Inheritance information for this variant is not currently available in this individual. (I) Legend: (SP) - Supporting pathogenic, (I) - Information, (SB) - Supporting benign

NM_001271.4(CHD2):c.598G>A (p.Gly200Arg)

Gene: CHD2 (chromodomain helicase DNA binding protein 2; plus strand). Cytogenetic location: 15q26.1.
Variant type: single nucleotide variant.
Coding change: c.598G>A on transcript NM_001271.4 (MANE Select); coding-DNA position 598, G replaced by A.
Protein change: p.Gly200Arg; replaces glycine 200 with arginine.
Molecular consequence: missense variant.
Genome position (GRCh38, 1-based): chr15:92,939,624, G>A. VCF-style: chr15-92939624-G-A. GRCh37 (hg19) VCF-style: chr15-93482854-G-A.
Other names: c.598G>A, p.Gly200Arg (NM_001042572.3); short protein forms G200R.
Identifiers: ClinVar variation 3254991 (VCV003254991.1), dbSNP rs1054118697.